The following is an entry in ClinVar:

NM_006297.3(XRCC1):c.321C>T (p.Arg107=)

Gene: XRCC1 (X-ray repair cross complementing 1; minus strand). Cytogenetic location: 19q13.31.
Variant type: single nucleotide variant.
Coding change: c.321C>T on transcript NM_006297.3 (MANE Select); coding-DNA position 321, C replaced by T.
Protein change: p.Arg107=; no amino-acid change (arginine 107 retained).
Molecular consequence: synonymous variant.
Genome position (GRCh38, 1-based): chr19:43,554,739, G>A on the plus strand (C>T on the coding strand, the complement: XRCC1 is on the minus strand). VCF-style: chr19-43554739-G-A. GRCh37 (hg19) VCF-style: chr19-44058891-G-A.
Identifiers: ClinVar variation 4872564 (VCV004872564.2).
Genomic context (GRCh38, chr19:43,554,739, plus strand): 5'-CCGGTCCCAGCGCTTCTCGGCGGCTGCCCGGACCAGCTTGTCAGGCCCAAACATGCGAAC[G>A]CGGTTGGGGTTTGAGCCACTGCGGCTCTCGGAAGGGGACATGAAAGATGAGGTGACCAGA-3'
Protein context (NP_006288.2, residues 97-117): SESRSGSNPN[Arg107=]VRMFGPDKLV

ClinVar aggregate classification (germline): Likely benign (1 of 4 stars; one submission).

gnomAD v4.1: 29 of 1,613,978 alleles (0.0018%); highest among the groups gnomAD compares: East Asian, 0.027%; no homozygotes.

Submission:

CeGaT Center for Human Genetics Tuebingen
Classification: Likely benign. Last evaluated: 2026-05-01. Review status: criteria provided, single submitter. Criteria: CeGaT Center For Human Genetics Tuebingen Variant Classification Criteria Version 2. Collection method: clinical testing. Allele origin: germline. Affected: yes. Observed: 1 variant allele.
Comment: XRCC1: BP4, BP7